The following is an entry in ClinVar:

ClinVar aggregate classification (germline): Pathogenic (1 of 4 stars; one submission).

Conditions:
Combined malonic and methylmalonic acidemia. Identifiers: Orphanet 289504, MedGen C3280314, MONDO:0013661, OMIM 614265.

Submission:

Labcorp Genetics (formerly Invitae), Labcorp
Classification: Pathogenic for Combined malonic and methylmalonic acidemia. Last evaluated: 2022-09-23. Review status: criteria provided, single submitter. Criteria: Invitae Variant Classification Sherloc (09022015). Collection method: clinical testing. Allele origin: germline.
Comment: This variant is a gross deletion of the genomic region encompassing exon(s) 5-8 of the ACSF3 gene. This deletion is out-of-frame, and is expected to create a premature termination codon and result in an absent or disrupted protein product. Loss-of-function variants in ACSF3 are known to be pathogenic (PMID: 21841779, 26827111). This variant has not been reported in the literature in individuals affected with ACSF3-related conditions. For these reasons, this variant has been classified as Pathogenic.

Literature cited by the submitters: PubMed 21841779; PubMed 26827111.

NC_000016.9:g.(?_89178490)_(89207694_?)del

Gene: ACSF3 (acyl-CoA synthetase family member 3; plus strand). Cytogenetic location: 16q24.3.
Variant type: Deletion.
Identifiers: ClinVar variation 1072096 (VCV001072096.7).